The following is an entry in ClinVar:

ClinVar aggregate classification (germline): Conflicting classifications of pathogenicity. Review status: criteria provided, conflicting classifications (1 of 4 stars). 9 submissions from 9 submitters: Uncertain significance (1); Benign (1); Likely benign (6). 1 of the submissions does not count toward it. Last evaluated 2026-05-30.

Conditions:
Cardiovascular phenotype. Identifiers: MedGen CN230736.
Arrhythmogenic right ventricular cardiomyopathy (ARVD). Also called: Arrhythmogenic cardiomyopathy; Arrhythmogenic Right Ventricular Cardiomyopathy (ARVC); Cardiomyopathy, ARVC; Arrhythmogenic right ventricular dysplasia. Identifiers: Orphanet 247, MedGen C0349788, MeSH D019571, MONDO:0016587. Disease mechanism: loss of function. Inheritance: Various modes of inheritance.
DSG2-related disorder. Also called: DSG2-related condition.
Arrhythmogenic right ventricular dysplasia 10. Also called: Arrhythmogenic Right Ventricular Dysplasia/Cardiomyopathy10; Arrhythmogenic right ventricular dysplasia/cardiomyopathy, type 10; ARRHYTHMOGENIC RIGHT VENTRICULAR DYSPLASIA, FAMILIAL, 10. Identifiers: MedGen C1857777, MONDO:0012434, OMIM 610193.
Cardiomyopathy (CMYO). Also called: Cardiomyopathies. Identifiers: Orphanet 167848, MedGen C0878544, MONDO:0004994, HP:0001638. Inheritance: Various modes of inheritance.

Allele frequency attached by ClinVar (database versions not stated): gnomAD exomes 0.00003 and 0.00016; gnomAD 0.00006 and 0.00007; TOPMed 0.00010; 1000 Genomes Project 30x 0.00016; 1000 Genomes Project 0.00020; ExAC 0.00022.
gnomAD v4.1: 75 of 1,613,946 alleles (0.0046%); highest among the groups gnomAD compares: East Asian, 0.096%; no homozygotes.

Submissions (9):

Women's Health and Genetics/Laboratory Corporation of America, LabCorp
Classification: Likely benign. Last evaluated: 2026-05-30. Review status: criteria provided, single submitter. Criteria: LabCorp Variant Classification Summary - May 2015. Collection method: clinical testing. Allele origin: germline.
Comment: Variant summary: DSG2 c.1847C>T (p.Ala616Val) results in a non-conservative amino acid change in the encoded protein sequence. Algorithms developed to predict the effect of missense changes on protein structure and function are either unavailable or do not agree on the potential impact of this missense change. The variant allele was found at a frequency of 0.00016 in 249702 control chromosomes, predominantly at a frequency of 0.0019 within the East Asian subpopulation in the gnomAD database. The observed variant frequency within East Asian control individuals in the gnomAD database exceeds the estimated maximal expected allele frequency for disease-causing variants in DSG2. Asian origin. To our knowledge, no occurrence of c.1847C>T in individuals affected with Arrhythmogenic Right Ventricular Dysplasia/Cardiomyopathy and no experimental evidence demonstrating its impact on protein function have been reported. The following publication has been ascertained in the context of this evaluation (PMID: 21636032). ClinVar contains an entry for this variant (Variation ID: 263502). Based on the evidence outlined above, the variant was classified as likely benign.

Labcorp Genetics (formerly Invitae), Labcorp
Classification: Likely benign for Arrhythmogenic right ventricular dysplasia 10. Last evaluated: 2026-01-27. Review status: criteria provided, single submitter. Criteria: Invitae Variant Classification Sherloc (09022015). Collection method: clinical testing. Allele origin: germline.

All of Us Research Program, National Institutes of Health
Classification: Likely benign for Arrhythmogenic right ventricular cardiomyopathy. Last evaluated: 2024-08-06. Review status: criteria provided, single submitter. Criteria: ACMG Guidelines, 2015. Collection method: clinical testing. Allele origin: germline. Inheritance: Autosomal dominant inheritance. Observed: 32 variant alleles, 32 heterozygotes.
Comment: This study involves interpretation of variants in research participants for the purpose of population health screening. Participant phenotype was not available at the time of variant classification. Additional details can be found in publication PMID: 35346344, PMCID: PMC8962531

Blueprint Genetics
Classification: Likely benign. Last evaluated: 2024-01-23. Review status: criteria provided, single submitter. Criteria: ACMG Guidelines, 2015. Collection method: clinical testing. Allele origin: germline.

Ambry Genetics
Classification: Benign for Cardiovascular phenotype. Last evaluated: 2022-05-12. Review status: criteria provided, single submitter. Criteria: Ambry Variant Classification Scheme 2023. Collection method: clinical testing. Allele origin: germline.

GeneDx
Classification: Likely benign. Last evaluated: 2020-12-17. Review status: criteria provided, single submitter. Criteria: GeneDx Variant Classification Process June 2021. Collection method: clinical testing. Allele origin: germline. Affected: yes.

ARUP Laboratories, Molecular Genetics and Genomics, ARUP Laboratories
Classification: Uncertain significance. Last evaluated: 2019-04-18. Review status: criteria provided, single submitter. Criteria: ARUP Molecular Germline Variant Investigation Process. Collection method: clinical testing. Allele origin: germline.

Color Diagnostics, LLC DBA Color Health
Classification: Likely benign for Cardiomyopathy. Last evaluated: 2018-08-13. Review status: criteria provided, single submitter. Criteria: ACMG Guidelines, 2015. Collection method: clinical testing. Allele origin: germline.

PreventionGenetics, part of Exact Sciences
Classification: Likely benign for DSG2-related condition. Last evaluated: 2019-10-03. Review status: no assertion criteria provided. Collection method: clinical testing. Allele origin: germline. Not counted in ClinVar's aggregate classification.
Comment: This variant is classified as likely benign based on ACMG/AMP sequence variant interpretation guidelines (Richards et al. 2015 PMID: 25741868, with internal and published modifications).

Literature cited by the submitters: PubMed 21636032 (cited by Women's Health and Genetics/Laboratory Corporation of America, LabCorp).

NM_001943.5(DSG2):c.1847C>T (p.Ala616Val)

Gene: DSG2 (desmoglein 2; plus strand). Cytogenetic location: 18q12.1.
Variant type: single nucleotide variant.
Coding change: c.1847C>T on transcript NM_001943.5 (MANE Select); coding-DNA position 1847, C replaced by T.
Protein change: p.Ala616Val; replaces alanine 616 with valine.
Molecular consequence: missense variant.
Genome position (GRCh38, 1-based): chr18:31,538,946, C>T. VCF-style: chr18-31538946-C-T. GRCh37 (hg19) VCF-style: chr18-29118909-C-T.
Other names: c.1847C>T (LRG_397t1); short protein forms A616V.
Identifiers: ClinVar variation 263502 (VCV000263502.33), dbSNP rs375527314, ClinGen allele CA043876.